The following is an entry in ClinVar:

NM_000393.5(COL5A2):c.3768G>A (p.Ala1256=)

Gene: COL5A2 (collagen type V alpha 2 chain; minus strand). Cytogenetic location: 2q32.2.
Variant type: single nucleotide variant.
Coding change: c.3768G>A on transcript NM_000393.5 (MANE Select); coding-DNA position 3768, G replaced by A.
Protein change: p.Ala1256=; no amino-acid change (alanine 1256 retained).
Molecular consequence: synonymous variant.
Genome position (GRCh38, 1-based): chr2:189,039,429, C>T on the plus strand (G>A on the coding strand, the complement: COL5A2 is on the minus strand). VCF-style: chr2-189039429-C-T. GRCh37 (hg19) VCF-style: chr2-189904155-C-T.
Other names: c.3768G>A (NM_000393.4).
Identifiers: ClinVar variation 1093020 (VCV001093020.16), dbSNP rs767144730, ClinGen allele CA2021921.

ClinVar aggregate classification (germline): Benign/Likely benign. Review status: criteria provided, multiple submitters, no conflicts (2 of 4 stars). 5 submissions from 5 submitters: Benign (1); Likely benign (3). 1 of the submissions does not count toward it. Last evaluated 2025-02-10.

Conditions:
COL5A2-related disorder. Also called: COL5A2-related condition.
Ehlers-Danlos syndrome, classic type, 2 (EDSCL2). Also called: Ehlers-Danlos Syndrome, Classic Type, COL5A2-Related; Ehlers-Danlos syndrome, type 2; Ehlers-Danlos syndrome type 2 (formerly). Identifiers: Orphanet 287, Orphanet 90318, MedGen C0268336, MONDO:0019568, OMIM 130010.
Familial thoracic aortic aneurysm and aortic dissection (TAAD). Also called: Thoracic aortic aneurysms and dissections. Identifiers: Orphanet 91387, MedGen C4707243, MONDO:0019625.
Ehlers-Danlos syndrome, classic type, 1 (EDSCL1). Also called: EHLERS-DANLOS SYNDROME, GRAVIS TYPE; EHLERS-DANLOS SYNDROME, SEVERE CLASSIC TYPE; Ehlers-Danlos Syndrome, Classic Type, COL5A1-Related; EDS I; Ehlers-Danlos syndrome, type 1. Identifiers: MedGen C0268335, MONDO:0019567, OMIM 130000.

Allele frequency attached by ClinVar (database versions not stated): ExAC 0.00002; gnomAD exomes 0.00002 and 0.00003.
gnomAD v4.1: 24 of 1,613,988 alleles (0.0015%); highest among the groups gnomAD compares: East Asian, 0.018%; no homozygotes.

Submissions (5):

ARUP Laboratories, Molecular Genetics and Genomics, ARUP Laboratories
Classification: Benign for Ehlers-Danlos syndrome, classic type, 2. Last evaluated: 2025-02-10. Review status: criteria provided, single submitter. Criteria: ARUP Molecular Germline Variant Investigation Process 2024. Collection method: clinical testing. Allele origin: germline.

Labcorp Genetics (formerly Invitae), Labcorp
Classification: Likely benign for Ehlers-Danlos syndrome, classic type, 1. Last evaluated: 2024-12-10. Review status: criteria provided, single submitter. Criteria: Invitae Variant Classification Sherloc (09022015). Collection method: clinical testing. Allele origin: germline.

Blueprint Genetics
Classification: Likely benign. Last evaluated: 2023-01-30. Review status: criteria provided, single submitter. Criteria: ACMG Guidelines, 2015. Collection method: clinical testing. Allele origin: germline.

Ambry Genetics
Classification: Likely benign for Familial thoracic aortic aneurysm and aortic dissection. Last evaluated: 2019-05-04. Review status: criteria provided, single submitter. Criteria: Ambry Variant Classification Scheme 2023. Collection method: clinical testing. Allele origin: germline.

PreventionGenetics, part of Exact Sciences
Classification: Likely benign for COL5A2-related condition. Last evaluated: 2021-12-31. Review status: no assertion criteria provided. Collection method: clinical testing. Allele origin: germline. Not counted in ClinVar's aggregate classification.
Comment: This variant is classified as likely benign based on ACMG/AMP sequence variant interpretation guidelines (Richards et al. 2015 PMID: 25741868, with internal and published modifications).